The following is an entry in ClinVar:

ClinVar aggregate classification (germline): Uncertain significance (1 of 4 stars; one submission).

Submission:

Labcorp Genetics (formerly Invitae), Labcorp
Classification: Uncertain significance. Last evaluated: 2021-04-03. Review status: criteria provided, single submitter. Criteria: Invitae Variant Classification Sherloc (09022015). Collection method: clinical testing. Allele origin: germline.
Comment: In summary, the available evidence is currently insufficient to determine the role of this variant in disease. Therefore, it has been classified as a Variant of Uncertain Significance. Algorithms developed to predict the effect of sequence changes on RNA splicing suggest that this variant may create or strengthen a splice site, but this prediction has not been confirmed by published transcriptional studies. Algorithms developed to predict the effect of missense changes on protein structure and function are either unavailable or do not agree on the potential impact of this missense change (SIFT: "Deleterious"; PolyPhen-2: "Benign"; Align-GVGD: "Class C55"). This variant has not been reported in the literature in individuals with NACC1-related conditions. This variant is not present in population databases (ExAC no frequency). This sequence change replaces glutamic acid with lysine at codon 320 of the NACC1 protein (p.Glu320Lys). The glutamic acid residue is highly conserved and there is a small physicochemical difference between glutamic acid and lysine.

NM_052876.4(NACC1):c.958G>A (p.Glu320Lys)

Gene: NACC1 (nucleus accumbens associated 1; plus strand). Cytogenetic location: 19p13.13.
Variant type: single nucleotide variant.
Coding change: c.958G>A on transcript NM_052876.4 (MANE Select); coding-DNA position 958, G replaced by A.
Protein change: p.Glu320Lys; replaces glutamic acid 320 with lysine.
Molecular consequence: missense variant.
Genome position (GRCh38, 1-based): chr19:13,136,243, G>A. VCF-style: chr19-13136243-G-A. GRCh37 (hg19) VCF-style: chr19-13247057-G-A.
Other names: short protein forms E320K.
Identifiers: ClinVar variation 1463212 (VCV001463212.8), dbSNP rs2145624306, ClinGen allele CA404327122.
Genomic context (GRCh38, chr19:13,136,243, plus strand): 5'-CAGCCACCCCTGCTCCTCCTGCCACTCGCGTGCCACTCTCTCCCTGCAGCCGAGAAGGTG[G>A]AGGCCCTCCCGGAGCAGGTAGCCCCCGAGTCCCGAAATCGCATCCGGGTTCGGCAAGACC-3'
Protein context (NP_443108.1, residues 310-330): MNVGQTAEKV[Glu320Lys]ALPEQVAPES